The following is an entry in ClinVar:

ClinVar aggregate classification (germline): Conflicting classifications of pathogenicity. Review status: criteria provided, conflicting classifications (1 of 4 stars). 2 submissions from 2 submitters: Likely pathogenic (1); Uncertain significance (1). Last evaluated 2026-07-06.

Conditions:
Lynch syndrome 5 (LYNCH5). Also called: Hereditary non-polyposis colorectal cancer, type 5; Colorectal cancer, hereditary nonpolyposis, type 5. Identifiers: Orphanet 144, MedGen C1833477, MONDO:0013710, OMIM 614350. Disease mechanism: loss of function.
Hereditary cancer-predisposing syndrome. Also called: Hereditary neoplastic syndrome; Hereditary Cancer Syndrome; Neoplastic Syndromes, Hereditary; Tumor predisposition. Identifiers: Orphanet 140162, MedGen C0027672, MeSH D009386, MONDO:0015356.

Submissions (2):

Ambry Genetics
Classification: Uncertain significance for Hereditary cancer-predisposing syndrome. Last evaluated: 2026-07-06. Review status: criteria provided, single submitter. Criteria: Ambry Variant Classification Scheme 2023. Collection method: clinical testing. Allele origin: germline.
Comment: The c.3971_3983dup13 variant, located in coding exon 9 of the MSH6 gene, results from a duplication of AGAAGATGAATCA at nucleotide position 3971, causing a translational frameshift with a predicted alternate stop codon (p.S1329Efs*16). This variant occurs at the 3' terminus of the gene, is not expected to trigger nonsense-mediated mRNAdecay, and impacts the last 32 amino acids of the protein. The exact functional effect of this variant is unknown. Based on the available evidence, the clinical significance of this variant remains unclear.

Myriad Genetics, Inc.
Classification: Likely pathogenic for Lynch syndrome 5. Last evaluated: 2023-08-28. Review status: criteria provided, single submitter. Criteria: Myriad Autosomal Dominant, Autosomal Recessive and X-Linked Classification Criteria (2023). Collection method: clinical testing. Allele origin: unknown.
Comment: This variant is considered likely pathogenic. This variant creates a frameshift predicted to result in premature protein truncation.

NM_000179.3(MSH6):c.3971_3983dup (p.Ser1329fs)

Gene: MSH6 (mutS homolog 6; plus strand). Cytogenetic location: 2p16.3.
Variant type: Duplication.
Coding change: c.3971_3983dup on transcript NM_000179.3 (MANE Select); coding-DNA positions 3971 to 3983, 13 bases duplicated (AGAAGATGAATCA).
Protein change: p.Ser1329fs; shifts the reading frame from serine 1329.
Molecular consequence: frameshift variant. On other transcripts: no sequence alteration (1), non-coding transcript variant (5), intron variant (1).
Genome position (GRCh38, 1-based): chr2:47,806,621-47,806,633, AGAAGATGAATCA duplicated. VCF-style (leftmost placement, unchanged base first): chr2-47806620-G-GAGAAGATGAATCA. GRCh37 (hg19) VCF-style: chr2-48033759-G-GAGAAGATGAATCA.
Other names: c.3971_3983dupAGAAGATGAATCA (NM_000179.2); c.3581_3593dup, p.Ser1199fs (NM_001281492.2); c.3065_3077dup, p.Ser1027fs (NM_001281493.2, NM_001281494.2, NM_001406814.1 and 6 more transcripts); c.4067_4079dup, p.Ser1361fs (NM_001406795.1); c.3971_3983dup, p.Ser1329fs (NM_001406796.1, NM_001406808.1, NM_001406809.1); c.3674_3686dup, p.Ser1230fs (NM_001406797.1, NM_001406801.1, NM_001406818.1 and 10 more transcripts); c.3797_3809dup, p.Ser1271fs (NM_001406798.1); c.3446_3458dup, p.Ser1154fs (NM_001406799.1, NM_001406806.1, NM_001406807.1); and 10 more; short protein forms S1027fs, S1041fs, S1154fs, S1199fs, S1230fs, S1271fs, S1273fs, S1303fs.
Identifiers: ClinVar variation 2673586 (VCV002673586.2), dbSNP rs2530877069, ClinGen allele CA2695200532.